The following is an entry in ClinVar:

NM_001069.3(TUBB2A):c.22C>T (p.Gln8Ter)

Genes: TUBB2A (tubulin beta 2A class IIa; minus strand), LOC129995635 (ATAC-STARR-seq lymphoblastoid silent region 16846; plus strand). Cytogenetic location: 6p25.2.
Variant type: single nucleotide variant.
Coding change: c.22C>T on transcript NM_001069.3 (MANE Select); coding-DNA position 22, C replaced by T.
Protein change: p.Gln8Ter; replaces glutamine 8 with a stop codon.
Molecular consequence: nonsense. On other transcripts: 5 prime UTR variant (1).
Genome position (GRCh38, 1-based): chr6:3,157,442, G>A on the plus strand (C>T on the coding strand, the complement: TUBB2A is on the minus strand). VCF-style: chr6-3157442-G-A. GRCh37 (hg19) VCF-style: chr6-3157676-G-A.
Other names: c.-366C>T (NM_001310315.2); short protein forms Q8*.
Identifiers: ClinVar variation 2866119 (VCV002866119.3), dbSNP rs2533530890, ClinGen allele CA362593739.

ClinVar aggregate classification (germline): Uncertain significance (1 of 4 stars; one submission).

Submission:

Labcorp Genetics (formerly Invitae), Labcorp
Classification: Uncertain significance. Last evaluated: 2023-08-10. Review status: criteria provided, single submitter. Criteria: Invitae Variant Classification Sherloc (09022015). Collection method: clinical testing. Allele origin: germline.
Comment: This sequence change creates a premature translational stop signal (p.Gln8*) in the TUBB2A gene. It is expected to result in an absent or disrupted protein product. However, the current clinical and genetic evidence is not sufficient to establish whether loss-of-function variants in TUBB2A cause disease. This variant is not present in population databases (gnomAD no frequency). This variant has not been reported in the literature in individuals affected with TUBB2A-related conditions. This premature translational stop signal has been observed in at least one individual who was not affected with TUBB2A-related conditions (Invitae). In summary, the available evidence is currently insufficient to determine the role of this variant in disease. Therefore, it has been classified as a Variant of Uncertain Significance. Experimental studies and prediction algorithms are not available or were not evaluated, and the functional significance of this variant is currently unknown.